The following is an entry in ClinVar:

ClinVar aggregate classification (germline): Pathogenic (1 of 4 stars; one submission).

Conditions:
Legius syndrome. Identifiers: Orphanet 137605, MedGen C1969623, MONDO:0012669, OMIM 611431. Disease mechanism: loss of function.

Submission:

Victorian Clinical Genetics Services, Murdoch Childrens Research Institute
Classification: Pathogenic for Legius syndrome. Last evaluated: 2022-02-02. Review status: criteria provided, single submitter. Criteria: ACMG Guidelines, 2015. Collection method: clinical testing. Allele origin: germline. Inheritance: Autosomal dominant inheritance. Affected: yes.
Comment: Based on the classification scheme VCGS_Germline_v1.3.4, this variant is classified as Pathogenic. Following criteria are met: 0102 - Loss of function is a known mechanism of disease in this gene and is associated with Legius syndrome (MIM#611431). (I) 0107 - This gene is associated with autosomal dominant disease. (I) 0201 - Variant is predicted to cause nonsense-mediated decay (NMD) and loss of protein (premature termination codon is located at least 54 nucleotides upstream of the final exon-exon junction). (SP) 0251 - This variant is heterozygous. (I) 0301 - Variant is absent from gnomAD (both v2 and v3). (SP) 0701 - Other NMD-predicted variants comparable to the one identified in this case have very strong previous evidence for pathogenicity. NMD-predicted variants in this gene are a well-established cause of disease (ClinVar, PMID: 17704776). (SP) 0807 - This variant has no previous evidence of pathogenicity. (I) 0905 - No published segregation evidence has been identified for this variant. (I) 1007 - No published functional evidence has been identified for this variant. (I) 1208 - Inheritance information for this variant is not currently available in this individual. (I) Legend: (SP) - Supporting pathogenic, (I) - Information, (SB) - Supporting benign

Literature cited by the submitters: PubMed 17704776.

NM_152594.3(SPRED1):c.475del (p.Gln159fs)

Gene: SPRED1 (sprouty related EVH1 domain containing 1; plus strand). Cytogenetic location: 15q14.
Variant type: Deletion.
Coding change: c.475del on transcript NM_152594.3 (MANE Select); coding-DNA position 475, one base deleted (C; older notation c.475delC).
Protein change: p.Gln159fs; shifts the reading frame from glutamine 159.
Molecular consequence: frameshift variant.
Genome position (GRCh38, 1-based): chr15:38,339,788, C deleted. VCF-style (leftmost placement, unchanged base first): chr15-38339787-GC-G. GRCh37 (hg19) VCF-style: chr15-38631988-GC-G.
Other names: short protein forms Q159fs.
Identifiers: ClinVar variation 1699114 (VCV001699114.3), dbSNP rs2141007796, ClinGen allele CA2573131720.